The following is an entry in ClinVar:

NM_003846.3(PEX11B):c.63_64del (p.Gln22fs)

Gene: PEX11B (peroxisomal biogenesis factor 11 beta; minus strand). Cytogenetic location: 1q21.1.
Variant type: Deletion.
Coding change: c.63_64del on transcript NM_003846.3 (MANE Select); coding-DNA positions 63 to 64, 2 bases deleted (CC; older notation c.63_64delCC).
Protein change: p.Gln22fs; shifts the reading frame from glutamine 22.
Molecular consequence: frameshift variant. On other transcripts: non-coding transcript variant (2).
Genome position (GRCh38, 1-based): chr1:145,917,809-145,917,810, GG deleted on the plus strand (CC on the coding strand, the reverse complement: PEX11B is on the minus strand); deleting any 2 consecutive bases within chr1:145,917,809-145,917,811 gives the same sequence; the c. name uses the placement nearest the transcript's 3' end. VCF-style (leftmost placement, unchanged base first): chr1-145917808-TGG-T. GRCh37 (hg19) VCF-style: chr1-145517277-GCC-G.
Other names: c.21_22del, p.Gln8fs (NM_001184795.1); short protein forms Q8fs, Q22fs.
Identifiers: ClinVar variation 1992874 (VCV001992874.4), dbSNP rs2525424719, ClinGen allele CA2580060941.

ClinVar aggregate classification (germline): Pathogenic (1 of 4 stars; one submission).

Submission:

Labcorp Genetics (formerly Invitae), Labcorp
Classification: Pathogenic. Last evaluated: 2022-10-17. Review status: criteria provided, single submitter. Criteria: Invitae Variant Classification Sherloc (09022015). Collection method: clinical testing. Allele origin: germline.
Comment: For these reasons, this variant has been classified as Pathogenic. This variant has not been reported in the literature in individuals affected with PEX11B-related conditions. This variant is not present in population databases (gnomAD no frequency). This sequence change creates a premature translational stop signal (p.Gln22Valfs*18) in the PEX11B gene. It is expected to result in an absent or disrupted protein product. Loss-of-function variants in PEX11B are known to be pathogenic (PMID: 22581968, 26233629, 28129423).

Literature cited by the submitters: PubMed 22581968; PubMed 26233629; PubMed 28129423.